The following is an entry in ClinVar:

NM_003924.4(PHOX2B):c.749C>A (p.Ala250Glu)

Genes: PHOX2B (paired like homeobox 2B; minus strand), LOC110011216 (paired like homeobox 2b polyalanine repeat instability region; plus strand). Cytogenetic location: 4p13.
Variant type: single nucleotide variant.
Coding change: c.749C>A on transcript NM_003924.4 (MANE Select); coding-DNA position 749, C replaced by A.
Protein change: p.Ala250Glu; replaces alanine 250 with glutamic acid.
Molecular consequence: missense variant.
Genome position (GRCh38, 1-based): chr4:41,746,003, G>T on the plus strand (C>A on the coding strand, the complement: PHOX2B is on the minus strand). VCF-style: chr4-41746003-G-T. GRCh37 (hg19) VCF-style: chr4-41748020-G-T.
Other names: short protein forms A250E.
Identifiers: ClinVar variation 1431039 (VCV001431039.9), dbSNP rs765803171, ClinGen allele CA356737205.
Genomic context (GRCh38, chr4:41,746,003, plus strand): 5'-CCAGGGCCCCCAGCCGCAGCCAGGCCTCCAGCTGCCGCCGCTGCCGCTGCCGCCGCCGCC[G>T]CTGCCGCGGCCGCCGCCGCTGCTGCTGCGCCGCCCTTGCCGGGTTCGCCTCCCGGGCCCC-3'
Protein context (NP_003915.2, residues 240-260): GAAAAAAAAA[Ala250Glu]AAAAAAAAAA

ClinVar aggregate classification (germline): Uncertain significance. Review status: criteria provided, multiple submitters, no conflicts (2 of 4 stars). 2 submissions from 2 submitters: Uncertain significance (2). Last evaluated 2024-06-14.

Conditions:
Hereditary cancer-predisposing syndrome. Also called: Hereditary Cancer Syndrome; Hereditary neoplastic syndrome; Neoplastic Syndromes, Hereditary; Tumor predisposition. Identifiers: Orphanet 140162, MedGen C0027672, MeSH D009386, MONDO:0015356.
Haddad syndrome (OHD). Also called: Ondine-Hirschsprung disease. Identifiers: Orphanet 99803, MedGen C1859049, MONDO:0020493.

gnomAD v4.1: 6 of 1,160,646 alleles (0.00052%); highest among the groups gnomAD compares: Non-Finnish European, 0.00064%; no homozygotes.

Submissions (2):

Ambry Genetics
Classification: Uncertain significance for Hereditary cancer-predisposing syndrome. Last evaluated: 2024-06-14. Review status: criteria provided, single submitter. Criteria: Ambry Variant Classification Scheme 2023. Collection method: clinical testing. Allele origin: germline.
Comment: The p.A250E variant (also known as c.749C>A), located in coding exon 3 of the PHOX2B gene, results from a C to A substitution at nucleotide position 749. The alanine at codon 250 is replaced by glutamic acid, an amino acid with dissimilar properties. This amino acid position is conserved. In addition, this alteration is predicted to be tolerated by in silico analysis. Since supporting evidence is limited at this time, the clinical significance of this alteration remains unclear.

Labcorp Genetics (formerly Invitae), Labcorp
Classification: Uncertain significance for Haddad syndrome. Last evaluated: 2023-09-22. Review status: criteria provided, single submitter. Criteria: Invitae Variant Classification Sherloc (09022015). Collection method: clinical testing. Allele origin: germline.
Comment: In summary, the available evidence is currently insufficient to determine the role of this variant in disease. Therefore, it has been classified as a Variant of Uncertain Significance. Experimental studies and prediction algorithms are not available or were not evaluated, and the functional significance of this variant is currently unknown. ClinVar contains an entry for this variant (Variation ID: 1431039). This variant has not been reported in the literature in individuals affected with PHOX2B-related conditions. This variant is not present in population databases (gnomAD no frequency). This sequence change replaces alanine, which is neutral and non-polar, with glutamic acid, which is acidic and polar, at codon 250 of the PHOX2B protein (p.Ala250Glu).